The following is an entry in ClinVar:

ClinVar aggregate classification (germline): Benign/Likely benign. Review status: criteria provided, multiple submitters, no conflicts (2 of 4 stars). 3 submissions from 3 submitters: Benign (1); Likely benign (2). Last evaluated 2024-12-31.

Conditions:
Hereditary nonpolyposis colorectal neoplasms. Identifiers: MedGen C0009405, MeSH D003123.
Hereditary cancer-predisposing syndrome. Also called: Tumor predisposition; Hereditary Cancer Syndrome; Neoplastic Syndromes, Hereditary; Hereditary neoplastic syndrome. Identifiers: Orphanet 140162, MedGen C0027672, MeSH D009386, MONDO:0015356.
Lynch syndrome 5 (LYNCH5). Also called: Colorectal cancer, hereditary nonpolyposis, type 5; Hereditary non-polyposis colorectal cancer, type 5. Identifiers: Orphanet 144, MedGen C1833477, MONDO:0013710, OMIM 614350. Disease mechanism: loss of function.

Submissions (3):

Myriad Genetics, Inc.
Classification: Benign for Lynch syndrome 5. Last evaluated: 2024-12-31. Review status: criteria provided, single submitter. Criteria: Myriad Autosomal Dominant, Autosomal Recessive and X-Linked Classification Criteria (2023). Collection method: clinical testing. Allele origin: unknown.
Comment: This variant is considered benign. This variant is a silent/synonymous amino acid change and it is not expected to impact splicing.

Labcorp Genetics (formerly Invitae), Labcorp
Classification: Likely benign for Hereditary nonpolyposis colorectal neoplasms. Last evaluated: 2024-05-28. Review status: criteria provided, single submitter. Criteria: Invitae Variant Classification Sherloc (09022015). Collection method: clinical testing. Allele origin: germline.

Ambry Genetics
Classification: Likely benign for Hereditary cancer-predisposing syndrome. Last evaluated: 2019-07-14. Review status: criteria provided, single submitter. Criteria: Ambry Variant Classification Scheme 2023. Collection method: clinical testing. Allele origin: germline.

NM_000179.3(MSH6):c.2553C>T (p.Ser851=)

Gene: MSH6 (mutS homolog 6; plus strand). Cytogenetic location: 2p16.3.
Variant type: single nucleotide variant.
Coding change: c.2553C>T on transcript NM_000179.3 (MANE Select); coding-DNA position 2553, C replaced by T.
Protein change: p.Ser851=; no amino-acid change (serine 851 retained).
Molecular consequence: synonymous variant. On other transcripts: intron variant (3), non-coding transcript variant (5).
Genome position (GRCh38, 1-based): chr2:47,800,536, C>T. VCF-style: chr2-47800536-C-T. GRCh37 (hg19) VCF-style: chr2-48027675-C-T.
Other names: c.628-130C>T (NM_001407362.1); c.2163C>T, p.Ser721= (NM_001281492.2); c.1647C>T, p.Ser549= (NM_001281493.2, NM_001281494.2, NM_001406811.1 and 6 more transcripts); c.2649C>T, p.Ser883= (NM_001406795.1, NM_001406802.1); c.2553C>T, p.Ser851= (NM_001406796.1, NM_001406798.1, NM_001406800.1 and 2 more transcripts); c.2256C>T, p.Ser752= (NM_001406797.1, NM_001406801.1, NM_001406805.1 and 10 more transcripts); c.2028C>T, p.Ser676= (NM_001406799.1, NM_001406806.1, NM_001406807.1); c.2475C>T, p.Ser825= (NM_001406804.1); and 4 more.
Identifiers: ClinVar variation 1792978 (VCV001792978.6), dbSNP rs2530679392, ClinGen allele CA426121564.